The following is an entry in ClinVar:

ClinVar aggregate classification (germline): Uncertain significance (1 of 4 stars; one submission).

Allele frequency attached by ClinVar (database versions not stated): gnomAD exomes below 0.00001; gnomAD 0.00001; TOPMed 0.00001.
gnomAD v4.1: 4 of 1,191,701 alleles (0.00034%); highest among the groups gnomAD compares: East Asian, 0.003%; no homozygotes.

Submission:

GeneDx
Classification: Uncertain significance. Last evaluated: 2023-02-21. Review status: criteria provided, single submitter. Criteria: GeneDx Variant Classification Process June 2021. Collection method: clinical testing. Allele origin: germline. Affected: yes.
Comment: Not observed at significant frequency in large population cohorts (gnomAD); In silico analysis supports that this missense variant has a deleterious effect on protein structure/function; Has not been previously published as pathogenic or benign to our knowledge

NM_004463.3(FGD1):c.1912C>T (p.Arg638Cys)

Gene: FGD1 (FYVE, RhoGEF and PH domain containing 1; minus strand). Cytogenetic location: Xp11.22.
Variant type: single nucleotide variant.
Coding change: c.1912C>T on transcript NM_004463.3 (MANE Select); coding-DNA position 1912, C replaced by T.
Protein change: p.Arg638Cys; replaces arginine 638 with cysteine.
Molecular consequence: missense variant.
Genome position (GRCh38, 1-based): chrX:54,455,715, G>A on the plus strand (C>T on the coding strand, the complement: FGD1 is on the minus strand). VCF-style: chrX-54455715-G-A. GRCh37 (hg19) VCF-style: chrX-54482148-G-A.
Other names: short protein forms R638C.
Identifiers: ClinVar variation 2577694 (VCV002577694.1), dbSNP rs1922485859, ClinGen allele CA413359952.